The following is an entry in ClinVar:

NM_002550.3(OR3A1):c.100T>A (p.Phe34Ile)

Genes: OR3A1 (olfactory receptor family 3 subfamily A member 1; minus strand), OR3A2 (olfactory receptor family 3 subfamily A member 2; minus strand). Cytogenetic location: 17p13.3.
Variant type: single nucleotide variant.
Coding change: c.100T>A on transcript NM_002550.3 (MANE Select); coding-DNA position 100, T replaced by A.
Protein change: p.Phe34Ile; replaces phenylalanine 34 with isoleucine.
Molecular consequence: missense variant. On other transcripts: intron variant (1).
Genome position (GRCh38, 1-based): chr17:3,292,483, A>T on the plus strand (T>A on the coding strand, the complement: OR3A1 is on the minus strand). VCF-style: chr17-3292483-A-T. GRCh37 (hg19) VCF-style: chr17-3195777-A-T.
Other names: c.-278-7932T>A (NM_002551.5); short protein forms F34I.
Identifiers: ClinVar variation 2647231 (VCV002647231.24), dbSNP rs149826123, ClinGen allele CA8287621.

ClinVar aggregate classification (germline): Likely benign (1 of 4 stars; one submission).

Allele frequency attached by ClinVar (database versions not stated): 1000 Genomes Project 30x 0.00156; 1000 Genomes Project 0.00180; ESP Exome Variant Server 0.00400; gnomAD 0.00515; TOPMed 0.00625.
gnomAD v4.1: 10,051 of 1,613,790 alleles (0.62%); highest among the groups gnomAD compares: Non-Finnish European, 0.74%; 54 homozygotes.

Submission:

CeGaT Center for Human Genetics Tuebingen
Classification: Likely benign. Last evaluated: 2022-09-01. Review status: criteria provided, single submitter. Criteria: CeGaT Center For Human Genetics Tuebingen Variant Classification Criteria Version 2. Collection method: clinical testing. Allele origin: germline. Affected: yes. Observed: 1 variant allele.
Comment: OR3A1: BP4, BS2